The following is an entry in ClinVar:

NM_001018005.2(TPM1):c.114+3C>G

Gene: TPM1 (tropomyosin 1; plus strand). Cytogenetic location: 15q22.2.
Variant type: single nucleotide variant.
Coding change: c.114+3C>G on transcript NM_001018005.2 (MANE Select); 3 bases into the intron after coding-DNA position 114, C replaced by G.
Molecular consequence: intron variant.
Genome position (GRCh38, 1-based): chr15:63,042,946, C>G. VCF-style: chr15-63042946-C-G. GRCh37 (hg19) VCF-style: chr15-63335145-C-G.
Other names: c.114+3C>G (NM_001365778.1, NM_001407336.1, NM_001018020.2 and 24 more transcripts).
Identifiers: ClinVar variation 4757838 (VCV004757838.1).

ClinVar aggregate classification (germline): Uncertain significance (1 of 4 stars; one submission).

Conditions:
Cardiomyopathy (CMYO). Also called: Cardiomyopathies. Identifiers: Orphanet 167848, MedGen C0878544, MONDO:0004994, HP:0001638. Inheritance: Various modes of inheritance.

Submission:

Color Diagnostics, LLC DBA Color Health
Classification: Uncertain significance for Cardiomyopathy. Last evaluated: 2025-08-25. Review status: criteria provided, single submitter. Criteria: ACMG Guidelines, 2015. Collection method: clinical testing. Allele origin: germline.
Comment: This variant causes a C to G nucleotide substitution at the +3 position of intron 1 of the TPM1 gene. To our knowledge, functional studies have not been reported for this variant. This variant has not been reported in individuals affected with TPM1-related disorders in the literature. This variant has not been identified in the general population by the Genome Aggregation Database (gnomAD). The available evidence is insufficient to determine the role of this variant in disease conclusively. Therefore, this variant is classified as a Variant of Uncertain Significance.